The following is an entry in ClinVar:

NM_022124.6(CDH23):c.2751C>G (p.Leu917=)

Gene: CDH23 (cadherin related 23; plus strand). Cytogenetic location: 10q22.1.
Variant type: single nucleotide variant.
Coding change: c.2751C>G on transcript NM_022124.6 (MANE Select); coding-DNA position 2751, C replaced by G.
Protein change: p.Leu917=; no amino-acid change (leucine 917 retained).
Molecular consequence: synonymous variant.
Genome position (GRCh38, 1-based): chr10:71,704,928, C>G. VCF-style: chr10-71704928-C-G. GRCh37 (hg19) VCF-style: chr10-73464685-C-G.
Other names: c.2751C>G (NM_022124.5); c.2751C>G, p.Leu917= (NM_001171930.2, NM_001171931.2).
Identifiers: ClinVar variation 1116286 (VCV001116286.11), dbSNP rs369180032, ClinGen allele CA5544331.

ClinVar aggregate classification (germline): Likely benign. Review status: criteria provided, multiple submitters, no conflicts (2 of 4 stars). 3 submissions from 3 submitters: Likely benign (3). Last evaluated 2025-11-24.

Conditions:
CDH23-related disorder. Also called: CDH23-related condition; CDH23-related disorders.

Allele frequency attached by ClinVar (database versions not stated): ExAC 0.00003; gnomAD exomes 0.00003; ESP Exome Variant Server 0.00008; gnomAD 0.00013 and 0.00014.
gnomAD v4.1: 45 of 1,612,746 alleles (0.0028%); highest among the groups gnomAD compares: African/African-American, 0.055%; no homozygotes.

Submissions (3):

Labcorp Genetics (formerly Invitae), Labcorp
Classification: Likely benign. Last evaluated: 2025-11-24. Review status: criteria provided, single submitter. Criteria: Invitae Variant Classification Sherloc (09022015). Collection method: clinical testing. Allele origin: germline.

PreventionGenetics, part of Exact Sciences
Classification: Likely benign for CDH23-related condition. Last evaluated: 2025-05-15. Review status: criteria provided, single submitter. Criteria: ACMG Guidelines, 2015. Collection method: clinical testing. Allele origin: germline.
Comment: This variant is classified as likely benign based on ACMG/AMP sequence variant interpretation guidelines (Richards et al. 2015 PMID: 25741868, with internal and published modifications).

Blueprint Genetics
Classification: Likely benign. Last evaluated: 2018-12-14. Review status: criteria provided, single submitter. Criteria: ACMG Guidelines, 2015. Collection method: clinical testing. Allele origin: germline.